The following is an entry in ClinVar:

NM_001035.3(RYR2):c.4534G>A (p.Asp1512Asn)

Gene: RYR2 (ryanodine receptor 2; plus strand). Cytogenetic location: 1q43.
Variant type: single nucleotide variant.
Coding change: c.4534G>A on transcript NM_001035.3 (MANE Select); coding-DNA position 4534, G replaced by A.
Protein change: p.Asp1512Asn; replaces aspartic acid 1512 with asparagine.
Molecular consequence: missense variant.
Genome position (GRCh38, 1-based): chr1:237,595,595, G>A. VCF-style: chr1-237595595-G-A. GRCh37 (hg19) VCF-style: chr1-237758895-G-A.
Other names: short protein forms D1512N.
Identifiers: ClinVar variation 4536207 (VCV004536207.1).
Genomic context (GRCh38, chr1:237,595,595, plus strand): 5'-GAGAGCATGAGCCCCGGGCAAGGACGCAACAATAATGGACTGGAGATTGGCTGTGTGGTG[G>A]ATGCTGCCAGCGGGCTGCTCACATTCATTGCCAATGGCAAGGAACTGAGCACATACTATC-3'
Protein context (NP_001026.2, residues 1502-1522): NNGLEIGCVV[Asp1512Asn]AASGLLTFIA

ClinVar aggregate classification (germline): Uncertain significance (1 of 4 stars; one submission).

Submission:

GeneDx
Classification: Uncertain significance. Last evaluated: 2025-06-06. Review status: criteria provided, single submitter. Criteria: GeneDx Variant Classification Process June 2021. Collection method: clinical testing. Allele origin: germline. Affected: yes.
Comment: Has not been previously published as pathogenic or benign to our knowledge